The following is an entry in ClinVar:

ClinVar aggregate classification (germline): Pathogenic (1 of 4 stars; one submission).

Allele frequency attached by ClinVar (database versions not stated): TOPMed below 0.00001.
gnomAD v4.1: 1 of 1,614,206 alleles (0.000062%); highest among the groups gnomAD compares: African/African-American, 0.0013%; no homozygotes.

Submission:

Labcorp Genetics (formerly Invitae), Labcorp
Classification: Pathogenic. Last evaluated: 2023-10-26. Review status: criteria provided, single submitter. Criteria: Invitae Variant Classification Sherloc (09022015). Collection method: clinical testing. Allele origin: germline.
Comment: This sequence change creates a premature translational stop signal (p.Gln119*) in the TG gene. It is expected to result in an absent or disrupted protein product. Loss-of-function variants in TG are known to be pathogenic (PMID: 19837936, 23164529). This variant is not present in population databases (gnomAD no frequency). This variant has not been reported in the literature in individuals affected with TG-related conditions. For these reasons, this variant has been classified as Pathogenic.

Literature cited by the submitters: PubMed 19837936; PubMed 23164529.

NM_003235.5(TG):c.355C>T (p.Gln119Ter)

Gene: TG (thyroglobulin; plus strand). Cytogenetic location: 8q24.22.
Variant type: single nucleotide variant.
Coding change: c.355C>T on transcript NM_003235.5 (MANE Select); coding-DNA position 355, C replaced by T.
Protein change: p.Gln119Ter; replaces glutamine 119 with a stop codon.
Molecular consequence: nonsense.
Genome position (GRCh38, 1-based): chr8:132,871,428, C>T. VCF-style: chr8-132871428-C-T. GRCh37 (hg19) VCF-style: chr8-133883673-C-T.
Other names: short protein forms Q119*.
Identifiers: ClinVar variation 2799066 (VCV002799066.3), dbSNP rs1839470192, ClinGen allele CA372246716.